The following is an entry in ClinVar:

NM_174934.4(SCN4B):c.231G>C (p.Lys77Asn)

Gene: SCN4B (sodium voltage-gated channel beta subunit 4; minus strand). Cytogenetic location: 11q23.3.
Variant type: single nucleotide variant.
Coding change: c.231G>C on transcript NM_174934.4 (MANE Select); coding-DNA position 231, G replaced by C.
Protein change: p.Lys77Asn; replaces lysine 77 with asparagine.
Molecular consequence: missense variant. On other transcripts: 5 prime UTR variant (1), non-coding transcript variant (1), intron variant (1).
Genome position (GRCh38, 1-based): chr11:118,145,060, C>G on the plus strand (G>C on the coding strand, the complement: SCN4B is on the minus strand). VCF-style: chr11-118145060-C-G. GRCh37 (hg19) VCF-style: chr11-118015775-C-G.
Other names: c.-100G>C (NM_001142349.2); c.62-3724G>C (NM_001142348.2); short protein forms K77N.
Identifiers: ClinVar variation 2619522 (VCV002619522.4), dbSNP rs200414589, ClinGen allele CA6300273.

ClinVar aggregate classification (germline): Uncertain significance. Review status: criteria provided, multiple submitters, no conflicts (2 of 4 stars). 2 submissions from 2 submitters: Uncertain significance (2). Last evaluated 2024-10-20.

Conditions:
Cardiovascular phenotype. Identifiers: MedGen CN230736.
Long QT syndrome 10 (LQT10). Identifiers: Orphanet 101016, Orphanet 768, MedGen C2678484, MONDO:0012737, OMIM 611819.

Allele frequency attached by ClinVar (database versions not stated): ExAC 0.00001; gnomAD 0.00001; gnomAD exomes 0.00001; 1000 Genomes Project 30x 0.00016; 1000 Genomes Project 0.00020.

Submissions (2):

Labcorp Genetics (formerly Invitae), Labcorp
Classification: Uncertain significance for Long QT syndrome 10. Last evaluated: 2024-10-20. Review status: criteria provided, single submitter. Criteria: Invitae Variant Classification Sherloc (09022015). Collection method: clinical testing. Allele origin: germline.
Comment: This sequence change replaces lysine, which is basic and polar, with asparagine, which is neutral and polar, at codon 77 of the SCN4B protein (p.Lys77Asn). This variant is present in population databases (rs200414589, gnomAD 0.006%). This variant has not been reported in the literature in individuals affected with SCN4B-related conditions. ClinVar contains an entry for this variant (Variation ID: 2619522). An algorithm developed to predict the effect of missense changes on protein structure and function (PolyPhen-2) suggests that this variant is likely to be tolerated. In summary, the available evidence is currently insufficient to determine the role of this variant in disease. Therefore, it has been classified as a Variant of Uncertain Significance.

Ambry Genetics
Classification: Uncertain significance for Cardiovascular phenotype. Last evaluated: 2023-07-27. Review status: criteria provided, single submitter. Criteria: Ambry Variant Classification Scheme 2023. Collection method: clinical testing. Allele origin: germline.
Comment: The p.K77N variant (also known as c.231G>C), located in coding exon 2 of the SCN4B gene, results from a G to C substitution at nucleotide position 231. The lysine at codon 77 is replaced by asparagine, an amino acid with similar properties. This amino acid position is conserved. In addition, this alteration is predicted to be tolerated by in silico analysis. Since supporting evidence is limited at this time, the clinical significance of this alteration remains unclear.